The following is an entry in ClinVar:

ClinVar aggregate classification (germline): Uncertain significance (1 of 4 stars; one submission).

Allele frequency attached by ClinVar (database versions not stated): ExAC 0.00002; gnomAD exomes 0.00002; TOPMed 0.00002; gnomAD 0.00003; ESP Exome Variant Server 0.00008.
gnomAD v4.1: 26 of 1,614,036 alleles (0.0016%); highest among the groups gnomAD compares: South Asian, 0.0022%; no homozygotes.

Submission:

Labcorp Genetics (formerly Invitae), Labcorp
Classification: Uncertain significance. Last evaluated: 2020-11-27. Review status: criteria provided, single submitter. Criteria: Invitae Variant Classification Sherloc (09022015). Collection method: clinical testing. Allele origin: germline.
Comment: This variant is present in population databases (rs370563573, ExAC 0.006%). In summary, the available evidence is currently insufficient to determine the role of this variant in disease. Therefore, it has been classified as a Variant of Uncertain Significance. Algorithms developed to predict the effect of sequence changes on RNA splicing suggest that this variant may create or strengthen a splice site, but this prediction has not been confirmed by published transcriptional studies. Algorithms developed to predict the effect of missense changes on protein structure and function are either unavailable or do not agree on the potential impact of this missense change (SIFT: "Deleterious"; PolyPhen-2: "Possibly Damaging"; Align-GVGD: "Class C0"). This variant has not been reported in the literature in individuals with DMXL2-related conditions. This sequence change replaces glutamic acid with glycine at codon 1116 of the DMXL2 protein (p.Glu1116Gly). The glutamic acid residue is highly conserved and there is a moderate physicochemical difference between glutamic acid and glycine.

NM_001378457.1(DMXL2):c.3347A>G (p.Glu1116Gly)

Gene: DMXL2 (Dmx like 2; minus strand). Cytogenetic location: 15q21.2.
Variant type: single nucleotide variant.
Coding change: c.3347A>G on transcript NM_001378457.1 (MANE Select); coding-DNA position 3347, A replaced by G.
Protein change: p.Glu1116Gly; replaces glutamic acid 1116 with glycine.
Molecular consequence: missense variant. On other transcripts: non-coding transcript variant (2), intron variant (2).
Genome position (GRCh38, 1-based): chr15:51,499,877, T>C on the plus strand (A>G on the coding strand, the complement: DMXL2 is on the minus strand). VCF-style: chr15-51499877-T-C. GRCh37 (hg19) VCF-style: chr15-51792074-T-C.
Other names: c.3347A>G, p.Glu1116Gly (NM_001174116.3, NM_001378458.1, NM_001378459.1 and 4 more transcripts); c.3107A>G, p.Glu1036Gly (NM_001378464.1); c.2764+7257A>G (NM_001378460.1); c.2765-4743A>G (NM_001174117.3); short protein forms E1036G, E1116G.
Identifiers: ClinVar variation 1489517 (VCV001489517.8), dbSNP rs370563573, ClinGen allele CA7562179.